The following is an entry in ClinVar:

ClinVar aggregate classification (germline): Benign/Likely benign. Review status: criteria provided, multiple submitters, no conflicts (2 of 4 stars). 3 submissions from 3 submitters: Benign (1); Likely benign (2). Last evaluated 2025-11-03.

Conditions:
Lynch syndrome 5 (LYNCH5). Also called: Colorectal cancer, hereditary nonpolyposis, type 5; Hereditary non-polyposis colorectal cancer, type 5. Identifiers: Orphanet 144, MedGen C1833477, MONDO:0013710, OMIM 614350. Disease mechanism: loss of function.
Hereditary cancer-predisposing syndrome. Also called: Tumor predisposition; Neoplastic Syndromes, Hereditary; Hereditary Cancer Syndrome; Hereditary neoplastic syndrome. Identifiers: Orphanet 140162, MedGen C0027672, MeSH D009386, MONDO:0015356.
Hereditary nonpolyposis colorectal neoplasms. Identifiers: MedGen C0009405, MeSH D003123.

Submissions (3):

Labcorp Genetics (formerly Invitae), Labcorp
Classification: Likely benign for Hereditary nonpolyposis colorectal neoplasms. Last evaluated: 2025-11-03. Review status: criteria provided, single submitter. Criteria: Invitae Variant Classification Sherloc (09022015). Collection method: clinical testing. Allele origin: germline.

Myriad Genetics, Inc.
Classification: Benign for Lynch syndrome 5. Last evaluated: 2025-01-06. Review status: criteria provided, single submitter. Criteria: Myriad Autosomal Dominant, Autosomal Recessive and X-Linked Classification Criteria (2023). Collection method: clinical testing. Allele origin: unknown.
Comment: This variant is considered benign. This variant is a silent/synonymous amino acid change and it is not expected to impact splicing.

Ambry Genetics
Classification: Likely benign for Hereditary cancer-predisposing syndrome. Last evaluated: 2022-02-24. Review status: criteria provided, single submitter. Criteria: Ambry Variant Classification Scheme 2023. Collection method: clinical testing. Allele origin: germline.

NM_000179.3(MSH6):c.3381C>T (p.Ala1127=)

Gene: MSH6 (mutS homolog 6; plus strand). Cytogenetic location: 2p16.3.
Variant type: single nucleotide variant.
Coding change: c.3381C>T on transcript NM_000179.3 (MANE Select); coding-DNA position 3381, C replaced by T.
Protein change: p.Ala1127=; no amino-acid change (alanine 1127 retained).
Molecular consequence: synonymous variant.
Genome position (GRCh38, 1-based): chr2:47,803,628, C>T. VCF-style: chr2-47803628-C-T. GRCh37 (hg19) VCF-style: chr2-48030767-C-T.
Other names: c.2991C>T, p.Ala997= (NM_001281492.2); c.2475C>T, p.Ala825= (NM_001281493.2, NM_001281494.2).
Identifiers: ClinVar variation 760720 (VCV000760720.14), dbSNP rs786202480, ClinGen allele CA346758825.